The following is an entry in ClinVar:

ClinVar aggregate classification (germline): Pathogenic (1 of 4 stars; one submission).

Conditions:
Neuropathy, hereditary sensory and autonomic, type 1C. Also called: HSAN IC; HSN IC. Identifiers: Orphanet 36386, MedGen C3150896, MONDO:0013337, OMIM 613640.

Submission:

Labcorp Genetics (formerly Invitae), Labcorp
Classification: Pathogenic for Neuropathy, hereditary sensory and autonomic, type 1C. Last evaluated: 2024-11-26. Review status: criteria provided, single submitter. Criteria: Invitae Variant Classification Sherloc (09022015). Collection method: clinical testing. Allele origin: germline.
Comment: This sequence change replaces glutamine, which is neutral and polar, with arginine, which is basic and polar, at codon 44 of the SPTLC2 protein (p.Gln44Arg). This variant is not present in population databases (gnomAD no frequency). This missense change has been observed in individual(s) with clinical features of hereditary sensory and autonomic neuropathy (internal data). In at least one individual the variant was observed to be de novo. ClinVar contains an entry for this variant (Variation ID: 2736856). Invitae Evidence Modeling of protein sequence and biophysical properties (such as structural, functional, and spatial information, amino acid conservation, physicochemical variation, residue mobility, and thermodynamic stability) indicates that this missense variant is not expected to disrupt SPTLC2 protein function with a negative predictive value of 95%. Algorithms developed to predict the effect of sequence changes on RNA splicing suggest that this variant may create or strengthen a splice site. For these reasons, this variant has been classified as Pathogenic.

NM_004863.4(SPTLC2):c.131A>G (p.Gln44Arg)

Gene: SPTLC2 (serine palmitoyltransferase long chain base subunit 2; minus strand). Cytogenetic location: 14q24.3.
Variant type: single nucleotide variant.
Coding change: c.131A>G on transcript NM_004863.4 (MANE Select); coding-DNA position 131, A replaced by G.
Protein change: p.Gln44Arg; replaces glutamine 44 with arginine.
Molecular consequence: missense variant.
Genome position (GRCh38, 1-based): chr14:77,616,449, T>C on the plus strand (A>G on the coding strand, the complement: SPTLC2 is on the minus strand). VCF-style: chr14-77616449-T-C. GRCh37 (hg19) VCF-style: chr14-78082792-T-C.
Other names: short protein forms Q44R.
Identifiers: ClinVar variation 2736856 (VCV002736856.3), dbSNP rs2503570171, ClinGen allele CA390711994.